The following is an entry in ClinVar:

NM_000051.4(ATM):c.4436+1G>A

Gene: ATM (ATM serine/threonine kinase; plus strand). Cytogenetic location: 11q22.3.
Variant type: single nucleotide variant.
Coding change: c.4436+1G>A on transcript NM_000051.4 (MANE Select); the canonical splice donor site of the intron after coding-DNA position 4436, G replaced by A.
Molecular consequence: splice donor variant.
Genome position (GRCh38, 1-based): chr11:108,289,802, G>A. VCF-style: chr11-108289802-G-A. GRCh37 (hg19) VCF-style: chr11-108160529-G-A.
Other names: c.4436+1G>A (NM_001351834.2, NM_000051.3).
Identifiers: ClinVar variation 1068029 (VCV001068029.9), dbSNP rs1555097894, ClinGen allele CA382532298.

ClinVar aggregate classification (germline): Pathogenic/Likely pathogenic. Review status: criteria provided, multiple submitters, no conflicts (2 of 4 stars). 3 submissions from 3 submitters: Pathogenic (1); Likely pathogenic (2). Last evaluated 2026-02-23.

Conditions:
Hereditary cancer-predisposing syndrome. Also called: Hereditary Cancer Syndrome; Neoplastic Syndromes, Hereditary; Tumor predisposition; Hereditary neoplastic syndrome. Identifiers: Orphanet 140162, MedGen C0027672, MeSH D009386, MONDO:0015356.
Familial cancer of breast. Also called: BREAST CANCER, FAMILIAL; hereditary breast carcinoma; Hereditary breast cancer. Identifiers: Orphanet 227535, MedGen C0346153, MONDO:0016419, OMIM 114480. Disease mechanism: loss of function.
Ataxia-telangiectasia syndrome (AT). Also called: LOUIS-BAR SYNDROME; Ataxia-telangiectasia, complementation group D; AT, COMPLEMENTATION GROUP C; ATAXIA-TELANGIECTASIA, COMPLEMENTATION GROUP A; ATAXIA-TELANGIECTASIA, FRESNO VARIANT; Ataxia-telangiectasia, complementation group E. Identifiers: Orphanet 100, MedGen C0004135, MONDO:0008840, OMIM 208900.

Submissions (3):

Ambry Genetics
Classification: Likely pathogenic for Hereditary cancer-predisposing syndrome. Last evaluated: 2026-02-23. Review status: criteria provided, single submitter. Criteria: Ambry Variant Classification Scheme 2023. Collection method: clinical testing. Allele origin: germline.
Comment: The c.4436+1G>A intronic variant results from a G to A substitution one nucleotide after coding exon 28 of the ATM gene. This variant is considered to be rare based on population cohorts in the Genome Aggregation Database (gnomAD). This nucleotide position is highly conserved in available vertebrate species. In silico splice site analysis predicts that this alteration will weaken the native splice donor site. Variants that disrupt the canonical splice site are expected to cause aberrant splicing, resulting in an abnormal protein or a transcript that is subject to nonsense-mediated mRNA decay. As such, this alteration is classified as likely pathogenic.

Labcorp Genetics (formerly Invitae), Labcorp
Classification: Pathogenic for Ataxia-telangiectasia syndrome. Last evaluated: 2024-05-07. Review status: criteria provided, single submitter. Criteria: Invitae Variant Classification Sherloc (09022015). Collection method: clinical testing. Allele origin: germline.
Comment: This sequence change affects a donor splice site in intron 29 of the ATM gene. It is expected to disrupt RNA splicing. Variants that disrupt the donor or acceptor splice site typically lead to a loss of protein function (PMID: 16199547), and loss-of-function variants in ATM are known to be pathogenic (PMID: 23807571, 25614872). This variant is not present in population databases (gnomAD no frequency). Disruption of this splice site has been observed in individual(s) with clinical features of ataxia-telangiectasia (Invitae). In at least one individual the data is consistent with being in trans (on the opposite chromosome) from a pathogenic variant. ClinVar contains an entry for this variant (Variation ID: 1068029). Algorithms developed to predict the effect of sequence changes on RNA splicing suggest that this variant may disrupt the consensus splice site. For these reasons, this variant has been classified as Pathogenic.

Myriad Genetics, Inc.
Classification: Likely pathogenic for Familial cancer of breast. Last evaluated: 2024-01-24. Review status: criteria provided, single submitter. Criteria: Myriad Autosomal Dominant, Autosomal Recessive and X-Linked Classification Criteria (2023). Collection method: clinical testing. Allele origin: unknown.
Comment: This variant is considered likely pathogenic. This variant occurs within a consensus splice junction and is predicted to result in abnormal mRNA splicing of either an out-of-frame exon or an in-frame exon necessary for protein stability and/or normal function.

Literature cited by the submitters: PubMed 16199547 (cited by Labcorp Genetics (formerly Invitae), Labcorp); PubMed 23807571 (cited by Labcorp Genetics (formerly Invitae), Labcorp); PubMed 25614872 (cited by Labcorp Genetics (formerly Invitae), Labcorp).